The following is an entry in ClinVar:

ClinVar aggregate classification (germline): Uncertain significance (1 of 4 stars; one submission).

Allele frequency attached by ClinVar (database versions not stated): gnomAD 0.00001 and 0.00002; gnomAD exomes 0.00001; TOPMed 0.00001.
gnomAD v4.1: 14 of 1,100,226 alleles (0.0013%); highest among the groups gnomAD compares: South Asian, 0.0027%; no homozygotes.

Submission:

Labcorp Genetics (formerly Invitae), Labcorp
Classification: Uncertain significance. Last evaluated: 2024-07-24. Review status: criteria provided, single submitter. Criteria: Invitae Variant Classification Sherloc (09022015). Collection method: clinical testing. Allele origin: germline.
Comment: This sequence change affects codon 94 of the DRP2 mRNA. It is a 'silent' change, meaning that it does not change the encoded amino acid sequence of the DRP2 protein. It affects a nucleotide within the consensus splice site. This variant is not present in population databases (gnomAD no frequency). This variant has not been reported in the literature in individuals affected with DRP2-related conditions. ClinVar contains an entry for this variant (Variation ID: 1522322). Algorithms developed to predict the effect of sequence changes on RNA splicing suggest that this variant is not likely to affect RNA splicing. In summary, the available evidence is currently insufficient to determine the role of this variant in disease. Therefore, it has been classified as a Variant of Uncertain Significance.

NM_001939.3(DRP2):c.282C>T (p.Arg94=)

Gene: DRP2 (dystrophin related protein 2; plus strand). Cytogenetic location: Xq22.1.
Variant type: single nucleotide variant.
Coding change: c.282C>T on transcript NM_001939.3 (MANE Select); coding-DNA position 282, C replaced by T.
Protein change: p.Arg94=; no amino-acid change (arginine 94 retained).
Molecular consequence: synonymous variant.
Genome position (GRCh38, 1-based): chrX:101,237,619, C>T. VCF-style: chrX-101237619-C-T. GRCh37 (hg19) VCF-style: chrX-100492608-C-T.
Other names: c.48C>T, p.Arg16= (NM_001171184.2).
Identifiers: ClinVar variation 1522322 (VCV001522322.6), dbSNP rs1922555348, ClinGen allele CA517524197.